The following is an entry in ClinVar:

ClinVar aggregate classification (germline): Uncertain significance (1 of 4 stars; one submission).

Conditions:
Cardiovascular phenotype. Identifiers: MedGen CN230736.

gnomAD v4.1: 1 of 1,613,402 alleles (0.000062%); highest among the groups gnomAD compares: Non-Finnish European, 0.000085%; no homozygotes.

Submission:

Ambry Genetics
Classification: Uncertain significance for Cardiovascular phenotype. Last evaluated: 2023-05-03. Review status: criteria provided, single submitter. Criteria: Ambry Variant Classification Scheme 2023. Collection method: clinical testing. Allele origin: germline.
Comment: The p.R51G variant (also known as c.151C>G), located in coding exon 1 of the CYP27A1 gene, results from a C to G substitution at nucleotide position 151. The arginine at codon 51 is replaced by glycine, an amino acid with dissimilar properties. This amino acid position is conserved. In addition, this alteration is predicted to be tolerated by in silico analysis. Since supporting evidence is limited at this time, the clinical significance of this alteration remains unclear.

NM_000784.4(CYP27A1):c.151C>G (p.Arg51Gly)

Gene: CYP27A1 (cytochrome P450 family 27 subfamily A member 1; plus strand). Cytogenetic location: 2q35.
Variant type: single nucleotide variant.
Coding change: c.151C>G on transcript NM_000784.4 (MANE Select); coding-DNA position 151, C replaced by G.
Protein change: p.Arg51Gly; replaces arginine 51 with glycine.
Molecular consequence: missense variant.
Genome position (GRCh38, 1-based): chr2:218,782,333, C>G. VCF-style: chr2-218782333-C-G. GRCh37 (hg19) VCF-style: chr2-219647056-C-G.
Other names: short protein forms R51G.
Identifiers: ClinVar variation 2565611 (VCV002565611.2), dbSNP rs570721628, ClinGen allele CA2112523.